The following is an entry in ClinVar:

ClinVar aggregate classification (germline): Uncertain significance (1 of 4 stars; one submission).

Conditions:
Hypertrophic cardiomyopathy 10. Also called: MYL2-Related Familial Hypertrophic Cardiomyopathy; CARDIOMYOPATHY, HYPERTROPHIC, MID-LEFT VENTRICULAR CHAMBER TYPE, 2. Identifiers: MedGen C1834460, MONDO:0012112, OMIM 608758.

Allele frequency attached by ClinVar (database versions not stated): TOPMed below 0.00001.

Submission:

Labcorp Genetics (formerly Invitae), Labcorp
Classification: Uncertain significance for Hypertrophic cardiomyopathy 10. Last evaluated: 2023-08-02. Review status: criteria provided, single submitter. Criteria: Invitae Variant Classification Sherloc (09022015). Collection method: clinical testing. Allele origin: germline.
Comment: Experimental studies and prediction algorithms are not available or were not evaluated, and the functional significance of this variant is currently unknown. In summary, the available evidence is currently insufficient to determine the role of this variant in disease. Therefore, it has been classified as a Variant of Uncertain Significance. ClinVar contains an entry for this variant (Variation ID: 1357305). This variant has not been reported in the literature in individuals affected with MYL2-related conditions. This variant is not present in population databases (gnomAD no frequency). This sequence change replaces arginine, which is basic and polar, with lysine, which is basic and polar, at codon 9 of the MYL2 protein (p.Arg9Lys).

NM_000432.4(MYL2):c.26G>A (p.Arg9Lys)

Genes: MYL2 (myosin light chain 2; minus strand), LOC114827850 (VISTA enhancer hs2149; plus strand). Cytogenetic location: 12q24.11.
Variant type: single nucleotide variant.
Coding change: c.26G>A on transcript NM_000432.4 (MANE Select); coding-DNA position 26, G replaced by A.
Protein change: p.Arg9Lys; replaces arginine 9 with lysine.
Molecular consequence: missense variant.
Genome position (GRCh38, 1-based): chr12:110,919,171, C>T on the plus strand (G>A on the coding strand, the complement: MYL2 is on the minus strand). VCF-style: chr12-110919171-C-T. GRCh37 (hg19) VCF-style: chr12-111356975-C-T.
Other names: short protein forms R9K.
Identifiers: ClinVar variation 1357305 (VCV001357305.7), dbSNP rs2071704532, ClinGen allele CA386700329.
Genomic context (GRCh38, chr12:110,919,171, plus strand): 5'-AATTCCTGGATTTGGGTCTGTTCGAACATGGAGAACACGTTGGAGTTGGCGCCCCCGGCT[C>T]TCTTCTTTGCTTTCTTAGGTGCCTGGGGGAAAAAAGCATCGATTAAAAGAGTGAGAGGCT-3'
Protein context (NP_000423.2, residues 1-19): MAPKKAKK[Arg9Lys]AGGANSNVFS